The following is an entry in ClinVar:

ClinVar aggregate classification (germline): Uncertain significance (1 of 4 stars; one submission).

Submission:

GeneDx
Classification: Uncertain significance. Last evaluated: 2026-04-15. Review status: criteria provided, single submitter. Criteria: GeneDx Variant Classification Process June 2021. Collection method: clinical testing. Allele origin: germline.
Comment: Not observed at significant frequency in large population cohorts (gnomAD); In silico analysis supports that this missense variant has a deleterious effect on protein structure/function; Has not been previously published as pathogenic or benign to our knowledge

NM_000342.4(SLC4A1):c.986A>G (p.Glu329Gly)

Gene: SLC4A1 (solute carrier family 4 member 1 (Diego blood group); minus strand). Cytogenetic location: 17q21.31.
Variant type: single nucleotide variant.
Coding change: c.986A>G on transcript NM_000342.4 (MANE Select); coding-DNA position 986, A replaced by G.
Protein change: p.Glu329Gly; replaces glutamic acid 329 with glycine.
Molecular consequence: missense variant.
Genome position (GRCh38, 1-based): chr17:44,258,514, T>C on the plus strand (A>G on the coding strand, the complement: SLC4A1 is on the minus strand). VCF-style: chr17-44258514-T-C. GRCh37 (hg19) VCF-style: chr17-42335882-T-C.
Other names: short protein forms E329G.
Identifiers: ClinVar variation 5036988 (VCV005036988.1).